The following is an entry in ClinVar:

ClinVar aggregate classification (germline): Uncertain significance (1 of 4 stars; one submission).

Submission:

Ambry Genetics
Classification: Uncertain significance. Last evaluated: 2025-07-05. Review status: criteria provided, single submitter. Criteria: Ambry Variant Classification Scheme 2023. Collection method: clinical testing. Allele origin: germline.
Comment: The p.P1203A variant (also known as c.3607C>G), located in coding exon 13 of the CDK12 gene, results from a C to G substitution at nucleotide position 3607. The proline at codon 1203 is replaced by alanine, an amino acid with highly similar properties. This amino acid position is conserved. In addition, this alteration is predicted to be tolerated by in silico analysis. Based on the available evidence, the clinical significance of this variant remains unclear.

NM_016507.4(CDK12):c.3607C>G (p.Pro1203Ala)

Gene: CDK12 (cyclin dependent kinase 12; plus strand). Cytogenetic location: 17q12.
Variant type: single nucleotide variant.
Coding change: c.3607C>G on transcript NM_016507.4 (MANE Select); coding-DNA position 3607, C replaced by G.
Protein change: p.Pro1203Ala; replaces proline 1203 with alanine.
Molecular consequence: missense variant.
Genome position (GRCh38, 1-based): chr17:39,526,163, C>G. VCF-style: chr17-39526163-C-G. GRCh37 (hg19) VCF-style: chr17-37682416-C-G.
Other names: c.3607C>G, p.Pro1203Ala (NM_015083.4); short protein forms P1203A.
Identifiers: ClinVar variation 4224260 (VCV004224260.1).
Genomic context (GRCh38, chr17:39,526,163, plus strand): 5'-CCCTCTGCCCCAGTGATCCTGCCTTCAGCAGAACAGACGACCCTTGAAGCTTCAAGCACA[C>G]CAGCTGACATGCAGAATATATTGGCAGTTCTCTTGAGTCAGCTGATGAAAACCCAAGAGC-3'
Protein context (NP_057591.2, residues 1193-1213): EQTTLEASST[Pro1203Ala]ADMQNILAVL